The following is an entry in ClinVar:

ClinVar aggregate classification (germline): Pathogenic (1 of 4 stars; one submission).

Submission:

Labcorp Genetics (formerly Invitae), Labcorp
Classification: Pathogenic. Last evaluated: 2023-03-28. Review status: criteria provided, single submitter. Criteria: Invitae Variant Classification Sherloc (09022015). Collection method: clinical testing. Allele origin: germline.
Comment: This sequence change creates a premature translational stop signal (p.Glu657Serfs*14) in the LAMC2 gene. It is expected to result in an absent or disrupted protein product. Loss-of-function variants in LAMC2 are known to be pathogenic (PMID: 11907499, 16473856). This variant is not present in population databases (gnomAD no frequency). This variant has not been reported in the literature in individuals affected with LAMC2-related conditions. Algorithms developed to predict the effect of sequence changes on RNA splicing suggest that this variant may disrupt the consensus splice site. For these reasons, this variant has been classified as Pathogenic.

Literature cited by the submitters: PubMed 11907499; PubMed 16473856.

NM_005562.3(LAMC2):c.1881_1968dup (p.Glu657delinsSerGluAsnGlyGlyProAspPheLysGlySerGlyTrpTer)

Gene: LAMC2 (laminin subunit gamma 2; plus strand). Cytogenetic location: 1q25.3.
Variant type: Duplication.
Coding change: c.1881_1968dup on transcript NM_005562.3 (MANE Select); coding-DNA positions 1881 to 1968, 88 bases duplicated.
Protein change: p.Glu657delinsSerGluAsnGlyGlyProAspPheLysGlySerGlyTrpTer.
Molecular consequence: nonsense.
Genome position (GRCh38, 1-based): chr1:183,232,210-183,232,297, 88 bases duplicated. GRCh37 (hg19): chr1:183,201,345-183,201,432.
Other names: c.1881_1968dup, p.Glu657delinsSerGluAsnGlyGlyProAspPheLysGlySerGlyTrpTer (NM_018891.3).
Identifiers: ClinVar variation 2850508 (VCV002850508.3), dbSNP rs2526088227, ClinGen allele CA2739275446.